The following is an entry in ClinVar:

NM_145290.4(ADGRA3):c.3220G>A (p.Val1074Ile)

Gene: ADGRA3 (adhesion G protein-coupled receptor A3; minus strand). Cytogenetic location: 4p15.2.
Variant type: single nucleotide variant.
Coding change: c.3220G>A on transcript NM_145290.4 (MANE Select); coding-DNA position 3220, G replaced by A.
Protein change: p.Val1074Ile; replaces valine 1074 with isoleucine.
Molecular consequence: missense variant.
Genome position (GRCh38, 1-based): chr4:22,388,451, C>T on the plus strand (G>A on the coding strand, the complement: ADGRA3 is on the minus strand). VCF-style: chr4-22388451-C-T. GRCh37 (hg19) VCF-style: chr4-22390074-C-T.
Other names: short protein forms V1074I.
Identifiers: ClinVar variation 2104991 (VCV002104991.4), dbSNP rs753989394, ClinGen allele CA356473402.
Genomic context (GRCh38, chr4:22,388,451, plus strand): 5'-CACTGCTATTGGGGCATTTGGGTGCCTCTCCATTCGTCCCATTAGAGTTGGGGGGCTGGA[C>T]GTTGACTTGCACTGAATACGAGCTCCGTCCTGGGCAGCAAGTCATGATCCACGCAAGTCT-3'
Protein context (NP_660333.2, residues 1064-1084): GRSSYSVQVN[Val1074Ile]QPPNSNGTNG

ClinVar aggregate classification (germline): Uncertain significance (1 of 4 stars; one submission).

gnomAD v4.1: 3 of 1,614,022 alleles (0.00019%); highest among the groups gnomAD compares: Non-Finnish European, 0.00025%; no homozygotes.

Submission:

Labcorp Genetics (formerly Invitae), Labcorp
Classification: Uncertain significance. Last evaluated: 2022-04-10. Review status: criteria provided, single submitter. Criteria: Invitae Variant Classification Sherloc (09022015). Collection method: clinical testing. Allele origin: germline.
Comment: In summary, the available evidence is currently insufficient to determine the role of this variant in disease. Therefore, it has been classified as a Variant of Uncertain Significance. Algorithms developed to predict the effect of missense changes on protein structure and function output the following: SIFT: "Tolerated"; PolyPhen-2: "Benign"; Align-GVGD: "Class C0". The isoleucine amino acid residue is found in multiple mammalian species, which suggests that this missense change does not adversely affect protein function. This variant has not been reported in the literature in individuals affected with ADGRA3-related conditions. This variant is present in population databases (no rsID available, gnomAD 0.002%). This sequence change replaces valine, which is neutral and non-polar, with isoleucine, which is neutral and non-polar, at codon 1074 of the ADGRA3 protein (p.Val1074Ile).